The following is an entry in ClinVar:

NM_001244008.2(KIF1A):c.171G>T (p.Trp57Cys)

Gene: KIF1A (kinesin family member 1A; minus strand). Cytogenetic location: 2q37.3.
Variant type: single nucleotide variant.
Coding change: c.171G>T on transcript NM_001244008.2 (MANE Select); coding-DNA position 171, G replaced by T.
Protein change: p.Trp57Cys; replaces tryptophan 57 with cysteine.
Molecular consequence: missense variant.
Genome position (GRCh38, 1-based): chr2:240,789,248, C>A on the plus strand (G>T on the coding strand, the complement: KIF1A is on the minus strand). VCF-style: chr2-240789248-C-A. GRCh37 (hg19) VCF-style: chr2-241728665-C-A.
Other names: c.171G>T, p.Trp57Cys (NM_001320705.2, NM_001330289.2, NM_001330290.2 and 20 more transcripts); short protein forms W57C.
Identifiers: ClinVar variation 4789388 (VCV004789388.1).

ClinVar aggregate classification (germline): Uncertain significance (1 of 4 stars; one submission).

Conditions:
Neuropathy, hereditary sensory, type 2C. Also called: KIF1A-Related HSAN2 (HSAN2C); Hereditary sensory and autonomic neuropathy type IIC. Identifiers: Orphanet 970, MedGen C3280168, MONDO:0013634, OMIM 614213.
Hereditary spastic paraplegia 30. Identifiers: Orphanet 101010, MedGen C5235139, MONDO:0012476.
Intellectual disability, autosomal dominant 9 (NESCAVS). Also called: KIF1A-Related Neurodevelopmental Disorder; NESCAV SYNDROME. Identifiers: Orphanet 662367, MedGen C5393830, MONDO:0013656, OMIM 614255.

Submission:

Labcorp Genetics (formerly Invitae), Labcorp
Classification: Uncertain significance for Hereditary spastic paraplegia 30; Neuropathy, hereditary sensory, type 2C; Intellectual disability, autosomal dominant 9. Last evaluated: 2025-06-10. Review status: criteria provided, single submitter. Criteria: Invitae Variant Classification Sherloc (09022015). Collection method: clinical testing. Allele origin: germline.
Comment: This sequence change replaces tryptophan, which is neutral and slightly polar, with cysteine, which is neutral and slightly polar, at codon 57 of the KIF1A protein (p.Trp57Cys). This variant is not present in population databases (gnomAD no frequency). This variant has not been reported in the literature in individuals affected with KIF1A-related conditions. Invitae Evidence Modeling of protein sequence and biophysical properties (such as structural, functional, and spatial information, amino acid conservation, physicochemical variation, residue mobility, and thermodynamic stability) indicates that this missense variant is expected to disrupt KIF1A protein function with a positive predictive value of 95%. In summary, the available evidence is currently insufficient to determine the role of this variant in disease. Therefore, it has been classified as a Variant of Uncertain Significance.